The following is an entry in ClinVar:

NM_005618.4(DLL1):c.2031C>T (p.Thr677=)

Genes: DLL1 (delta like canonical Notch ligand 1; minus strand), LOC126859913 (P300/CBP strongly-dependent group 1 enhancer GRCh37_chr6:170591232-170592431; plus strand). Cytogenetic location: 6q27.
Variant type: single nucleotide variant.
Coding change: c.2031C>T on transcript NM_005618.4 (MANE Select); coding-DNA position 2031, C replaced by T.
Protein change: p.Thr677=; no amino-acid change (threonine 677 retained).
Molecular consequence: synonymous variant.
Genome position (GRCh38, 1-based): chr6:170,283,248, G>A on the plus strand (C>T on the coding strand, the complement: DLL1 is on the minus strand). VCF-style: chr6-170283248-G-A. GRCh37 (hg19) VCF-style: chr6-170592336-G-A.
Identifiers: ClinVar variation 2657149 (VCV002657149.24), dbSNP rs375954659, ClinGen allele CA453613863.

ClinVar aggregate classification (germline): Likely benign (1 of 4 stars; one submission).

Submission:

CeGaT Center for Human Genetics Tuebingen
Classification: Likely benign. Last evaluated: 2022-08-01. Review status: criteria provided, single submitter. Criteria: CeGaT Center For Human Genetics Tuebingen Variant Classification Criteria Version 2. Collection method: clinical testing. Allele origin: germline. Affected: yes. Observed: 1 variant allele.
Comment: DLL1: PM2:Supporting, BP4, BP7